The following is an entry in ClinVar:

NM_000191.3(HMGCL):c.109G>A (p.Glu37Lys)

Gene: HMGCL (3-hydroxy-3-methylglutaryl-CoA lyase; minus strand). Cytogenetic location: 1p36.11.
Variant type: single nucleotide variant.
Coding change: c.109G>A on transcript NM_000191.3 (MANE Select); coding-DNA position 109, G replaced by A.
Protein change: p.Glu37Lys; replaces glutamic acid 37 with lysine.
Molecular consequence: missense variant.
Genome position (GRCh38, 1-based): chr1:23,820,545, C>T on the plus strand (G>A on the coding strand, the complement: HMGCL is on the minus strand). VCF-style: chr1-23820545-C-T. GRCh37 (hg19) VCF-style: chr1-24147035-C-T.
Other names: c.109G>A, p.Glu37Lys (NM_001166059.2); short protein forms E37K.
Identifiers: ClinVar variation 2676029 (VCV002676029.3), dbSNP rs763494292, ClinGen allele CA339030391.

ClinVar aggregate classification (germline): Pathogenic/Likely pathogenic. Review status: criteria provided, multiple submitters, no conflicts (2 of 4 stars). 2 submissions from 2 submitters: Pathogenic (1); Likely pathogenic (1). Last evaluated 2024-12-30.

Conditions:
Deficiency of hydroxymethylglutaryl-CoA lyase (HMGCLD). Also called: HMGCL DEFICIENCY; HYDROXYMETHYLGLUTARIC ACIDURIA; Defect in leucine metabolism; 3-hydroxy-3-methylglutaric aciduria; HMG-CoA LYASE DEFICIENCY. Identifiers: Orphanet 20, MedGen C1533587, MONDO:0009520, OMIM 246450.

gnomAD v4.1: 2 of 1,614,122 alleles (0.00012%); highest among the groups gnomAD compares: Non-Finnish European, 0.00017%; no homozygotes.

Submissions (2):

Women's Health and Genetics/Laboratory Corporation of America, LabCorp
Classification: Pathogenic for Deficiency of hydroxymethylglutaryl-CoA lyase. Last evaluated: 2024-12-30. Review status: criteria provided, single submitter. Criteria: LabCorp Variant Classification Summary - May 2015. Collection method: clinical testing. Allele origin: germline.
Comment: Variant summary: HMGCL c.109G>A (p.Glu37Lys) results in a conservative amino acid change located in the Pyruvate carboxyltransferase domain (IPR000891) of the encoded protein sequence. Three of five in-silico tools predict a damaging effect of the variant on protein function. The variant was absent in 251488 control chromosomes. c.109G>A has been reported in the literature in two homozygous individuals in one family affected with HMG-CoA Lyase Deficiency (Menao_2009). These data indicate that the variant is likely to be associated with disease. At least one publication reports experimental evidence evaluating an impact on protein function. The most pronounced variant effect results in more than 95% reduction in lysase activity in an in vitro biochemical assay (Menao_2009). The following publication have been ascertained in the context of this evaluation (PMID: 19177531). ClinVar contains an entry for this variant (Variation ID: 2676029). Based on the evidence outlined above, the variant was classified as pathogenic.

Baylor Genetics
Classification: Likely pathogenic for Deficiency of hydroxymethylglutaryl-CoA lyase. Last evaluated: 2024-03-30. Review status: criteria provided, single submitter. Criteria: ACMG Guidelines, 2015. Collection method: clinical testing. Allele origin: unknown.

Literature cited by the submitters: PubMed 19177531 (cited by Women's Health and Genetics/Laboratory Corporation of America, LabCorp).